The following is an entry in ClinVar:

ClinVar aggregate classification (germline): Uncertain significance (1 of 4 stars; one submission).

Conditions:
Hereditary cancer-predisposing syndrome. Also called: Neoplastic Syndromes, Hereditary; Tumor predisposition; Hereditary Cancer Syndrome; Hereditary neoplastic syndrome. Identifiers: Orphanet 140162, MedGen C0027672, MeSH D009386, MONDO:0015356.

Submission:

Ambry Genetics
Classification: Uncertain significance for Hereditary cancer-predisposing syndrome. Last evaluated: 2021-08-18. Review status: criteria provided, single submitter. Criteria: Ambry Variant Classification Scheme 2023. Collection method: clinical testing. Allele origin: germline.
Comment: The p.R42W variant (also known as c.124A>T), located in coding exon 2 of the SDHA gene, results from an A to T substitution at nucleotide position 124. The arginine at codon 42 is replaced by tryptophan, an amino acid with dissimilar properties. This amino acid position is not well conserved in available vertebrate species. In addition, the in silico prediction for this alteration is inconclusive. Since supporting evidence is limited at this time, the clinical significance of this alteration remains unclear.

NM_004168.4(SDHA):c.124A>T (p.Arg42Trp)

Gene: SDHA (succinate dehydrogenase complex flavoprotein subunit A; plus strand). Cytogenetic location: 5p15.33.
Variant type: single nucleotide variant.
Coding change: c.124A>T on transcript NM_004168.4 (MANE Select); coding-DNA position 124, A replaced by T.
Protein change: p.Arg42Trp; replaces arginine 42 with tryptophan.
Molecular consequence: missense variant.
Genome position (GRCh38, 1-based): chr5:223,542, A>T. VCF-style: chr5-223542-A-T. GRCh37 (hg19) VCF-style: chr5-223657-A-T.
Other names: c.124A>T, p.Arg42Trp (NM_001294332.2, NM_001330758.2); short protein forms R42W.
Identifiers: ClinVar variation 1760319 (VCV001760319.2), dbSNP rs2477280661, ClinGen allele CA359008229.